The following is an entry in ClinVar:

ClinVar aggregate classification (germline): Conflicting classifications of pathogenicity. Review status: criteria provided, conflicting classifications (1 of 4 stars). 3 submissions from 3 submitters: Likely pathogenic (1); Uncertain significance (2). Last evaluated 2024-05-13.

Conditions:
TRPM1-related disorder. Also called: TRPM1-related condition.
Inborn genetic diseases. Identifiers: MedGen C0950123, MeSH D030342.

Allele frequency attached by ClinVar (database versions not stated): gnomAD exomes 0.00002 and 0.00005; ExAC 0.00004; ESP Exome Variant Server 0.00008; TOPMed 0.00008; gnomAD 0.00010 and 0.00011.
gnomAD v4.1: 39 of 1,614,076 alleles (0.0024%); highest among the groups gnomAD compares: African/African-American, 0.035%; no homozygotes.

Submissions (3):

Blueprint Genetics
Classification: Likely pathogenic for TRPM1-related disorders. Last evaluated: 2024-05-13. Review status: criteria provided, single submitter. Criteria: ACMG Guidelines, 2015. Collection method: clinical testing. Allele origin: germline. Affected: yes. Observed: 5 variant alleles.

Labcorp Genetics (formerly Invitae), Labcorp
Classification: Uncertain significance. Last evaluated: 2023-02-24. Review status: criteria provided, single submitter. Criteria: Invitae Variant Classification Sherloc (09022015). Collection method: clinical testing. Allele origin: germline.
Comment: This sequence change replaces arginine, which is basic and polar, with cysteine, which is neutral and slightly polar, at codon 917 of the TRPM1 protein (p.Arg917Cys). This variant is present in population databases (rs370469506, gnomAD 0.05%). This variant has not been reported in the literature in individuals affected with TRPM1-related conditions. ClinVar contains an entry for this variant (Variation ID: 1020077). Advanced modeling of protein sequence and biophysical properties (such as structural, functional, and spatial information, amino acid conservation, physicochemical variation, residue mobility, and thermodynamic stability) performed at Invitae indicates that this missense variant is expected to disrupt TRPM1 protein function. Algorithms developed to predict the effect of sequence changes on RNA splicing suggest that this variant may create or strengthen a splice site. In summary, the available evidence is currently insufficient to determine the role of this variant in disease. Therefore, it has been classified as a Variant of Uncertain Significance.

Ambry Genetics
Classification: Uncertain significance for Inborn genetic diseases. Last evaluated: 2022-10-26. Review status: criteria provided, single submitter. Criteria: Ambry Variant Classification Scheme 2023. Collection method: clinical testing. Allele origin: germline.

NM_001252024.2(TRPM1):c.2815C>T (p.Arg939Cys)

Genes: TRPM1 (transient receptor potential cation channel subfamily M member 1; minus strand), TRPM1-AS1 (TRPM1 antisense RNA 1; plus strand). Cytogenetic location: 15q13.3.
Variant type: single nucleotide variant.
Coding change: c.2815C>T on transcript NM_001252024.2 (MANE Select); coding-DNA position 2815, C replaced by T.
Protein change: p.Arg939Cys; replaces arginine 939 with cysteine.
Molecular consequence: missense variant.
Genome position (GRCh38, 1-based): chr15:31,032,826, G>A on the plus strand (C>T on the coding strand, the complement: TRPM1 is on the minus strand). VCF-style: chr15-31032826-G-A. GRCh37 (hg19) VCF-style: chr15-31325029-G-A.
Other names: c.2749C>T (NM_002420.4); c.2866C>T, p.Arg956Cys (NM_001252020.2); c.2749C>T, p.Arg917Cys (NM_002420.6); short protein forms R917C, R939C, R956C.
Identifiers: ClinVar variation 1020077 (VCV001020077.8), dbSNP rs370469506, ClinGen allele CA7452068.